The following is an entry in ClinVar:

ClinVar aggregate classification (germline): Pathogenic (1 of 4 stars; one submission).

Conditions:
Fetal akinesia deformation sequence 1 (FADS1). Also called: Fetal akinesia sequence; Pena-Shokeir syndrome type I. Identifiers: Orphanet 994, MedGen C1276035, MONDO:0100101, OMIM 208150, HP:0001989.
Congenital myasthenic syndrome 10. Also called: Myasthenia, limb-girdle, familial. Identifiers: Orphanet 590, MedGen C1850792, MONDO:0009690, OMIM 254300.

Submission:

Labcorp Genetics (formerly Invitae), Labcorp
Classification: Pathogenic for Congenital myasthenic syndrome 10; Fetal akinesia deformation sequence 1. Last evaluated: 2022-10-13. Review status: criteria provided, single submitter. Criteria: Invitae Variant Classification Sherloc (09022015). Collection method: clinical testing. Allele origin: germline.
Comment: A gross deletion of the genomic region encompassing the full coding sequence of the DOK7 gene has been identified. Loss-of-function variants in DOK7 are known to be pathogenic (PMID: 16794080, 16917026, 18626973, 19261599). The boundaries of this event are unknown as they extend beyond the assayed region for this gene and therefore may encompass additional genes. This variant has not been reported in the literature in individuals affected with DOK7-related conditions. For these reasons, this variant has been classified as Pathogenic.

Literature cited by the submitters: PubMed 16794080; PubMed 16917026; PubMed 18626973; PubMed 19261599.

NC_000004.12:g.(?_3463366)_(3493511_?)del

Gene: DOK7 (docking protein 7; plus strand). Cytogenetic location: 4p16.3.
Variant type: Deletion.
Identifiers: ClinVar variation 831089 (VCV000831089.2).